The following is an entry in ClinVar:

ClinVar aggregate classification (germline): Uncertain significance (1 of 4 stars; one submission).

Conditions:
GM1 gangliosidosis. Identifiers: Orphanet 354, MedGen C0085131, MONDO:0018149.
Mucopolysaccharidosis, MPS-IV-B (MPS4B). Also called: MORQUIO SYNDROME B; Mucopolysaccharidosis Type IVB (Morquio B Disease); Mucopolysaccharidosis type 4B; Mucopolysaccharidosis type IVB (Morquio); MPS IVB; Mucopolysaccharidosis type IV B. Identifiers: Orphanet 309310, Orphanet 582, MedGen C0086652, MONDO:0009660, OMIM 253010.

Allele frequency attached by ClinVar (database versions not stated): gnomAD 0.00001.
gnomAD v4.1: 5 of 1,613,976 alleles (0.00031%); highest among the groups gnomAD compares: Non-Finnish European, 0.00042%; no homozygotes.

Submission:

Labcorp Genetics (formerly Invitae), Labcorp
Classification: Uncertain significance for Mucopolysaccharidosis, MPS-IV-B; GM1 gangliosidosis. Last evaluated: 2021-09-24. Review status: criteria provided, single submitter. Criteria: Invitae Variant Classification Sherloc (09022015). Collection method: clinical testing. Allele origin: germline.
Comment: This sequence change replaces leucine with proline at codon 401 of the GLB1 protein (p.Leu401Pro). The leucine residue is weakly conserved and there is a moderate physicochemical difference between leucine and proline. This variant is not present in population databases (ExAC no frequency). This variant has not been reported in the literature in individuals with GLB1-related conditions. Advanced modeling of protein sequence and biophysical properties (such as structural, functional, and spatial information, amino acid conservation, physicochemical variation, residue mobility, and thermodynamic stability) performed at Invitae indicates that this missense variant is not expected to disrupt GLB1 protein function. In summary, the available evidence is currently insufficient to determine the role of this variant in disease. Therefore, it has been classified as a Variant of Uncertain Significance.

NM_000404.4(GLB1):c.1202T>C (p.Leu401Pro)

Gene: GLB1 (galactosidase beta 1; minus strand). Cytogenetic location: 3p22.3.
Variant type: single nucleotide variant.
Coding change: c.1202T>C on transcript NM_000404.4 (MANE Select); coding-DNA position 1202, T replaced by C.
Protein change: p.Leu401Pro; replaces leucine 401 with proline.
Molecular consequence: missense variant.
Genome position (GRCh38, 1-based): chr3:33,021,597, A>G on the plus strand (T>C on the coding strand, the complement: GLB1 is on the minus strand). VCF-style: chr3-33021597-A-G. GRCh37 (hg19) VCF-style: chr3-33063089-A-G.
Other names: c.1112T>C, p.Leu371Pro (NM_001079811.3); c.809T>C, p.Leu270Pro (NM_001135602.3); c.1346T>C, p.Leu449Pro (NM_001317040.2); c.1202T>C, p.Leu401Pro (NM_001393580.1); short protein forms L401P, L270P, L371P, L449P.
Identifiers: ClinVar variation 1491187 (VCV001491187.5), dbSNP rs1301956348, ClinGen allele CA351992992.